The following is an entry in ClinVar:

NM_058216.3(RAD51C):c.1026+8T>A

Gene: RAD51C (RAD51 paralog C; plus strand). Cytogenetic location: 17q22.
Variant type: single nucleotide variant.
Coding change: c.1026+8T>A on transcript NM_058216.3 (MANE Select); 8 bases into the intron after coding-DNA position 1026, T replaced by A.
Molecular consequence: intron variant.
Genome position (GRCh38, 1-based): chr17:58,732,552, T>A. VCF-style: chr17-58732552-T-A. GRCh37 (hg19) VCF-style: chr17-56809913-T-A.
Identifiers: ClinVar variation 3904286 (VCV003904286.2).

ClinVar aggregate classification (germline): Conflicting classifications of pathogenicity. Review status: criteria provided, conflicting classifications (1 of 4 stars). 2 submissions from 2 submitters: Uncertain significance (1); Likely benign (1). Last evaluated 2025-05-21.

Conditions:
Fanconi anemia complementation group O. Also called: RAD51C-Related Fanconi Anemia. Identifiers: Orphanet 84, MedGen C3150653, MONDO:0013248, OMIM 613390.
Breast-ovarian cancer, familial, susceptibility to, 3. Also called: RAD51C-Related Breast/Ovarian Cancer. Identifiers: Orphanet 145, MedGen C3150659, MONDO:0013253, OMIM 613399.

gnomAD v4.1: 1 of 1,608,644 alleles (0.000062%); highest among the groups gnomAD compares: Non-Finnish European, 0.000085%; no homozygotes.

Submissions (2):

Labcorp Genetics (formerly Invitae), Labcorp
Classification: Uncertain significance for Fanconi anemia complementation group O. Last evaluated: 2025-05-21. Review status: criteria provided, single submitter. Criteria: Invitae Variant Classification Sherloc (09022015). Collection method: clinical testing. Allele origin: germline.
Comment: This sequence change falls in intron 8 of the RAD51C gene. It does not directly change the encoded amino acid sequence of the RAD51C protein. This variant is present in population databases (no rsID available, gnomAD 0.0009%). This variant has not been reported in the literature in individuals affected with RAD51C-related conditions. Algorithms developed to predict the effect of sequence changes on RNA splicing suggest that this variant may disrupt the consensus splice site. In summary, the available evidence is currently insufficient to determine the role of this variant in disease. Therefore, it has been classified as a Variant of Uncertain Significance.

Myriad Genetics, Inc.
Classification: Likely benign for Breast-ovarian cancer, familial, susceptibility to, 3. Last evaluated: 2025-02-19. Review status: criteria provided, single submitter. Criteria: Myriad Autosomal Dominant, Autosomal Recessive and X-Linked Classification Criteria (2023). Collection method: clinical testing. Allele origin: unknown.
Comment: This variant is considered likely benign. This variant is intronic and is not expected to impact mRNA splicing.